The following is an entry in ClinVar:

ClinVar aggregate classification (germline): Uncertain significance (1 of 4 stars; one submission).

Conditions:
Hereditary cancer-predisposing syndrome. Also called: Tumor predisposition; Neoplastic Syndromes, Hereditary; Hereditary Cancer Syndrome; Hereditary neoplastic syndrome. Identifiers: Orphanet 140162, MedGen C0027672, MeSH D009386, MONDO:0015356.

Submission:

Ambry Genetics
Classification: Uncertain significance for Hereditary cancer-predisposing syndrome. Last evaluated: 2024-11-17. Review status: criteria provided, single submitter. Criteria: Ambry Variant Classification Scheme 2023. Collection method: clinical testing. Allele origin: germline.
Comment: The p.L162V variant (also known as c.484T>G), located in coding exon 4 of the CTNNA1 gene, results from a T to G substitution at nucleotide position 484. The leucine at codon 162 is replaced by valine, an amino acid with highly similar properties. This amino acid position is conserved. In addition, this alteration is predicted to be tolerated by in silico analysis. Based on the available evidence, the clinical significance of this variant remains unclear.

NM_001903.5(CTNNA1):c.484T>G (p.Leu162Val)

Gene: CTNNA1 (catenin alpha 1; plus strand). Cytogenetic location: 5q31.2.
Variant type: single nucleotide variant.
Coding change: c.484T>G on transcript NM_001903.5 (MANE Select); coding-DNA position 484, T replaced by G.
Protein change: p.Leu162Val; replaces leucine 162 with valine.
Molecular consequence: missense variant.
Genome position (GRCh38, 1-based): chr5:138,812,198, T>G. VCF-style: chr5-138812198-T-G. GRCh37 (hg19) VCF-style: chr5-138147887-T-G.
Other names: c.484T>G, p.Leu162Val (NM_001290307.3, NM_001323982.2, NM_001323983.1 and 3 more transcripts); c.175T>G, p.Leu59Val (NM_001290309.3); c.115T>G, p.Leu39Val (NM_001290310.3); short protein forms L39V, L162V, L59V.
Identifiers: ClinVar variation 3498269 (VCV003498269.1).
Genomic context (GRCh38, chr5:138,812,198, plus strand): 5'-CTACATTCAGAATTTTTGGGTTTTGGGGTCTTTCTTATTTTATAGGTGGAAGATGGTATC[T>G]TGAAGTTGAGGAATGCTGGCAATGAACAAGACTTAGGAATCCAGTATAAAGCCCTAAAAC-3'
Protein context (NP_001894.2, residues 152-172): VQLKVVEDGI[Leu162Val]KLRNAGNEQD